The following is an entry in ClinVar:

NM_152328.5(ADSS1):c.193-4866C>T

Gene: ADSS1 (adenylosuccinate synthase 1; plus strand). Cytogenetic location: 14q32.33.
Variant type: single nucleotide variant.
Coding change: c.193-4866C>T on transcript NM_152328.5 (MANE Select); 4866 bases into the intron before coding-DNA position 193, C replaced by T.
Molecular consequence: intron variant. On other transcripts: 5 prime UTR variant (1), missense variant (1).
Genome position (GRCh38, 1-based): chr14:104,730,154, C>T. VCF-style: chr14-104730154-C-T. GRCh37 (hg19) VCF-style: chr14-105196491-C-T.
Other names: c.-466C>T (NM_001320424.1); c.262C>T, p.His88Tyr (NM_199165.2); c.262C>T (NM_199165.1); short protein forms H88Y.
Identifiers: ClinVar variation 1681891 (VCV001681891.7), dbSNP rs1309820084, ClinGen allele CA391233126.
Genomic context (GRCh38, chr14:104,730,154, plus strand): 5'-ACTAGGGTGACGCTGGGAGAGGAGAGGGCTTGGAGGAGCCACGGGTCAAATGCAGGAGGC[C>T]ACACCTGCCTGCCCAGGAGGACTGCAGGAGCCGGATCCTTAACACCTGGAGGGGAGCGGG-3'

ClinVar aggregate classification (germline): Uncertain significance. Review status: criteria provided, multiple submitters, no conflicts (2 of 4 stars). 2 submissions from 2 submitters: Uncertain significance (2). Last evaluated 2024-12-03.

Conditions:
Inborn genetic diseases. Identifiers: MedGen C0950123, MeSH D030342.

Allele frequency attached by ClinVar (database versions not stated): gnomAD 0.00001; TOPMed 0.00001.
gnomAD v4.1: 19 of 1,543,036 alleles (0.0012%); highest among the groups gnomAD compares: Non-Finnish European, 0.0017%; no homozygotes.

Submissions (2):

Ambry Genetics
Classification: Uncertain significance for Inborn genetic diseases. Last evaluated: 2024-12-03. Review status: criteria provided, single submitter. Criteria: Ambry Variant Classification Scheme 2023. Collection method: clinical testing. Allele origin: germline.

Labcorp Genetics (formerly Invitae), Labcorp
Classification: Uncertain significance. Last evaluated: 2022-03-23. Review status: criteria provided, single submitter. Criteria: Invitae Variant Classification Sherloc (09022015). Collection method: clinical testing. Allele origin: germline.
Comment: In summary, the available evidence is currently insufficient to determine the role of this variant in disease. Therefore, it has been classified as a Variant of Uncertain Significance. Algorithms developed to predict the effect of missense changes on protein structure and function are either unavailable or do not agree on the potential impact of this missense change (SIFT: "Not Available"; PolyPhen-2: "Benign"; Align-GVGD: "Not Available"). This variant has not been reported in the literature in individuals affected with ADSSL1-related conditions. This variant is present in population databases (no rsID available, gnomAD 0.007%). This sequence change replaces histidine, which is basic and polar, with tyrosine, which is neutral and polar, at codon 88 of the ADSSL1 protein (p.His88Tyr).